The following is an entry in ClinVar:

ClinVar aggregate classification (germline): Uncertain significance (1 of 4 stars; one submission).

Conditions:
FREM1-related disorder. Also called: FREM1-related condition; FREM1-Related Disorders.

Submission:

PreventionGenetics, part of Exact Sciences
Classification: Uncertain significance for FREM1-related condition. Last evaluated: 2026-09-23. Review status: criteria provided, single submitter. Criteria: ACMG Guidelines, 2015. Collection method: clinical testing. Allele origin: germline.
Comment: The FREM1 c.2253T>G variant is predicted to result in the amino acid substitution p.Phe751Leu. To our knowledge, this variant has not been reported in the literature or in a large population database (gnomAD), indicating this variant is rare. At this time, the clinical significance of this variant is uncertain due to the absence of conclusive functional and genetic evidence.

NM_001379081.2(FREM1):c.2253T>G (p.Phe751Leu)

Gene: FREM1 (FRAS1 related extracellular matrix 1; minus strand). Cytogenetic location: 9p22.3.
Variant type: single nucleotide variant.
Coding change: c.2253T>G on transcript NM_001379081.2 (MANE Select); coding-DNA position 2253, T replaced by G.
Protein change: p.Phe751Leu; replaces phenylalanine 751 with leucine.
Molecular consequence: missense variant. On other transcripts: non-coding transcript variant (2).
Genome position (GRCh38, 1-based): chr9:14,823,244, A>C on the plus strand (T>G on the coding strand, the complement: FREM1 is on the minus strand). VCF-style: chr9-14823244-A-C. GRCh37 (hg19) VCF-style: chr9-14823242-A-C.
Other names: c.2253T>G, p.Phe751Leu (NM_144966.7); short protein forms F751L.
Identifiers: ClinVar variation 5002241 (VCV005002241.1).
Genomic context (GRCh38, chr9:14,823,244, plus strand): 5'-GAGGATTGTAATGTTAAAGCAGATCCCATGCAAAGTACCGCCATGTTGGTTACTGACAGA[A>C]AATGTGAACTGGACATCTCTGCAATGGGGACCAATGTCTTGCATGGGGGGCATGTAGGCC-3'
Protein context (NP_001366010.1, residues 741-761): GPHCRDVQFT[Phe751Leu]SVSNQHGGTL